The following is an entry in ClinVar:

ClinVar aggregate classification (germline): Conflicting classifications of pathogenicity. Review status: criteria provided, conflicting classifications (1 of 4 stars). 3 submissions from 3 submitters: Uncertain significance (1); Likely benign (2). Last evaluated 2026-01-06.

Conditions:
Corneal dystrophy. Identifiers: Orphanet 34533, MedGen C0010036, MONDO:0018102, HP:0001131.

Allele frequency attached by ClinVar (database versions not stated): ESP Exome Variant Server 0.00032; gnomAD 0.00040 and 0.00041; TOPMed 0.00040; ExAC 0.00051; gnomAD exomes 0.00051 and 0.00057; 1000 Genomes Project 0.00100; 1000 Genomes Project 30x 0.00109.

Submissions (3):

Labcorp Genetics (formerly Invitae), Labcorp
Classification: Likely benign. Last evaluated: 2026-01-06. Review status: criteria provided, single submitter. Criteria: Invitae Variant Classification Sherloc (09022015). Collection method: clinical testing. Allele origin: germline.

Blueprint Genetics
Classification: Likely benign. Last evaluated: 2024-10-14. Review status: criteria provided, single submitter. Criteria: ACMG Guidelines, 2015. Collection method: clinical testing. Allele origin: germline.

Illumina Laboratory Services, Illumina
Classification: Uncertain significance for Corneal dystrophy. Last evaluated: 2017-04-27. Review status: criteria provided, single submitter. Criteria: ICSL Variant Classification Criteria 13 December 2019. Collection method: clinical testing. Allele origin: germline.
Comment: This variant was observed as part of a predisposition screen in an ostensibly healthy population. A literature search was performed for the gene, cDNA change, and amino acid change (where applicable). Publications were found based on this search. However, the evidence from the literature, in combination with allele frequency data from public databases where available, was not sufficient to rule this variant in or out of causing disease. Therefore, this variant is classified as a variant of unknown significance.

Literature cited by the submitters: PubMed 15177960 (cited by Illumina Laboratory Services, Illumina).

NM_000358.3(TGFBI):c.852C>A (p.Ala284=)

Gene: TGFBI (transforming growth factor beta induced; plus strand). Cytogenetic location: 5q31.1.
Variant type: single nucleotide variant.
Coding change: c.852C>A on transcript NM_000358.3 (MANE Select); coding-DNA position 852, C replaced by A.
Protein change: p.Ala284=; no amino-acid change (alanine 284 retained).
Molecular consequence: synonymous variant.
Genome position (GRCh38, 1-based): chr5:136,049,519, C>A. VCF-style: chr5-136049519-C-A. GRCh37 (hg19) VCF-style: chr5-135385208-C-A.
Identifiers: ClinVar variation 746359 (VCV000746359.11), dbSNP rs189359867, ClinGen allele CA3420176.
Genomic context (GRCh38, chr5:136,049,519, plus strand): 5'-GCTCAACACGATGCTTGAAGGTAACGGCCAGTACACGCTTTTGGCCCCGACCAATGAGGC[C>A]TTCGAGAAGATCCCTAGTGAGACTTTGAACCGTATCCTGGGCGACCCAGAAGCCCTGAGA-3'
Protein context (NP_000349.1, residues 274-294): QYTLLAPTNE[Ala284=]FEKIPSETLN